The following is an entry in ClinVar:

ClinVar aggregate classification (germline): Benign/Likely benign. Review status: criteria provided, multiple submitters, no conflicts (2 of 4 stars). 7 submissions from 7 submitters: Benign (3); Likely benign (3). 1 of the submissions does not count toward it. Last evaluated 2026-01-19.

Conditions:
CACNB2-related disorder. Also called: CACNB2-related condition.
Cardiovascular phenotype. Identifiers: MedGen CN230736.
Brugada syndrome 4 (BRGDA4). Identifiers: Orphanet 130, MedGen C2678477, MONDO:0012743, OMIM 611876.

Allele frequency attached by ClinVar (database versions not stated): gnomAD 0.00090 and 0.00093; TOPMed 0.00091; ESP Exome Variant Server 0.00123; 1000 Genomes Project 0.00140; 1000 Genomes Project 30x 0.00156.
gnomAD v4.1: 341 of 1,532,870 alleles (0.022%); highest among the groups gnomAD compares: African/African-American, 0.36%; 2 homozygotes.

Submissions (7):

Labcorp Genetics (formerly Invitae), Labcorp
Classification: Benign for Brugada syndrome 4. Last evaluated: 2026-01-19. Review status: criteria provided, single submitter. Criteria: Invitae Variant Classification Sherloc (09022015). Collection method: clinical testing. Allele origin: germline.

Women's Health and Genetics/Laboratory Corporation of America, LabCorp
Classification: Benign. Last evaluated: 2026-01-02. Review status: criteria provided, single submitter. Criteria: LabCorp Variant Classification Summary - May 2015. Collection method: clinical testing. Allele origin: germline.

Blueprint Genetics
Classification: Likely benign. Last evaluated: 2024-11-13. Review status: criteria provided, single submitter. Criteria: ACMG Guidelines, 2015. Collection method: clinical testing. Allele origin: germline.

CeGaT Center for Human Genetics Tuebingen
Classification: Likely benign. Last evaluated: 2024-10-01. Review status: criteria provided, single submitter. Criteria: CeGaT Center For Human Genetics Tuebingen Variant Classification Criteria Version 2. Collection method: clinical testing. Allele origin: germline. Affected: yes. Observed: 1 variant allele.
Comment: CACNB2: BP4, BP7

GeneDx
Classification: Likely benign. Last evaluated: 2021-01-23. Review status: criteria provided, single submitter. Criteria: GeneDx Variant Classification Process June 2021. Collection method: clinical testing. Allele origin: germline. Affected: yes.

Ambry Genetics
Classification: Benign for Cardiovascular phenotype. Last evaluated: 2019-06-20. Review status: criteria provided, single submitter. Criteria: Ambry Variant Classification Scheme 2023. Collection method: clinical testing. Allele origin: germline.

PreventionGenetics, part of Exact Sciences
Classification: Likely benign for CACNB2-related condition. Last evaluated: 2019-04-25. Review status: no assertion criteria provided. Collection method: clinical testing. Allele origin: germline. Not counted in ClinVar's aggregate classification.
Comment: This variant is classified as likely benign based on ACMG/AMP sequence variant interpretation guidelines (Richards et al. 2015 PMID: 25741868, with internal and published modifications).

NM_201596.3(CACNB2):c.1293G>A (p.Gln431=)

Gene: CACNB2 (calcium voltage-gated channel auxiliary subunit beta 2; plus strand). Cytogenetic location: 10p12.31.
Variant type: single nucleotide variant.
Coding change: c.1293G>A on transcript NM_201596.3 (MANE Select); coding-DNA position 1293, G replaced by A.
Protein change: p.Gln431=; no amino-acid change (glutamine 431 retained).
Molecular consequence: synonymous variant.
Genome position (GRCh38, 1-based): chr10:18,536,187, G>A. VCF-style: chr10-18536187-G-A. GRCh37 (hg19) VCF-style: chr10-18825116-G-A.
Other names: c.1128G>A, p.Gln376= (NM_000724.4); c.1095G>A, p.Gln365= (NM_001167945.2); c.1014G>A, p.Gln338= (NM_001330060.2); c.1149G>A, p.Gln383= (NM_201570.3); c.1209G>A, p.Gln403= (NM_201571.4); c.1137G>A, p.Gln379= (NM_201572.4); c.1131G>A, p.Gln377= (NM_201590.3); c.1179G>A, p.Gln393= (NM_201593.3); and 1 more.
Identifiers: ClinVar variation 416839 (VCV000416839.34), dbSNP rs148414498, ClinGen allele CA5429963.
Genomic context (GRCh38, chr10:18,536,187, plus strand): 5'-AGGGAAATCTCAAGCTAAACACCTCAACGTCCAGATGGTAGCAGCTGATAAACTGGCTCA[G>A]TGTCCTCCAGTAAGTTATCTCTATATACAGCATAATCCAGTTACAGAGATCAGACCTTTT-3'
Protein context (NP_963890.2, residues 421-441): VQMVAADKLA[Gln431=]CPPELFDVIL